The following is an entry in ClinVar:

ClinVar aggregate classification (germline): Uncertain significance (1 of 4 stars; one submission).

Conditions:
Hereditary sensory and autonomic neuropathy type 6. Also called: HSAN VI; Neuropathy, hereditary sensory and autonomic, type VI. Identifiers: Orphanet 314381, MedGen C3539003, MONDO:0013839, OMIM 614653.
Epidermolysis bullosa simplex 3, localized or generalized intermediate, with BP230 deficiency (EBS3). Also called: Epidermolysis bullosa simplex, autosomal recessive 2; Epidermolysis bullosa simplex due to BP230 deficiency. Identifiers: Orphanet 412181, MedGen C3809470, MONDO:0014180, OMIM 615425.

gnomAD v4.1: 2 of 1,614,122 alleles (0.00012%); highest among the groups gnomAD compares: Admixed American, 0.0033%; no homozygotes.

Submission:

Labcorp Genetics (formerly Invitae), Labcorp
Classification: Uncertain significance for Epidermolysis bullosa simplex 3, localized or generalized intermediate, with BP230 deficiency; Hereditary sensory and autonomic neuropathy type 6. Last evaluated: 2021-02-21. Review status: criteria provided, single submitter. Criteria: Invitae Variant Classification Sherloc (09022015). Collection method: clinical testing. Allele origin: germline.
Comment: Algorithms developed to predict the effect of missense changes on protein structure and function are either unavailable or do not agree on the potential impact of this missense change (SIFT: "Tolerated"; PolyPhen-2: "Probably Damaging"; Align-GVGD: "Class C0"). This sequence change replaces proline with alanine at codon 2295 of the DST protein (p.Pro2295Ala). The proline residue is weakly conserved and there is a small physicochemical difference between proline and alanine. This variant is present in population databases (rs765477193, ExAC 0.03%). This variant has not been reported in the literature in individuals with DST-related conditions. In summary, the available evidence is currently insufficient to determine the role of this variant in disease. Therefore, it has been classified as a Variant of Uncertain Significance.

NM_001723.7(DST):c.6883C>G (p.Pro2295Ala)

Gene: DST (dystonin; minus strand). Cytogenetic location: 6p12.1.
Variant type: single nucleotide variant.
Coding change: c.6883C>G on transcript NM_001723.7 (MANE Plus Clinical); coding-DNA position 6883, C replaced by G.
Protein change: p.Pro2295Ala; replaces proline 2295 with alanine.
Molecular consequence: missense variant. On other transcripts: intron variant (10).
Genome position (GRCh38, 1-based): chr6:56,616,584, G>C on the plus strand (C>G on the coding strand, the complement: DST is on the minus strand). VCF-style: chr6-56616584-G-C. GRCh37 (hg19) VCF-style: chr6-56481382-G-C.
Other names: c.4831-2100C>G (NM_001144769.5); c.4930-2100C>G (NM_001374722.1, NM_001374736.1); c.4957-2100C>G (NM_001374734.1); c.4417-2100C>G (NM_001144770.2); c.4297-2100C>G (NM_001374730.1, NM_001386100.1, NM_183380.4 and 1 more transcripts); c.3319-2100C>G (NM_015548.5); short protein forms P2295A.
Identifiers: ClinVar variation 1474736 (VCV001474736.8), dbSNP rs765477193, ClinGen allele CA3870075.